The following is an entry in ClinVar:

ClinVar aggregate classification (germline): Pathogenic (1 of 4 stars; one submission).

Submission:

Quest Diagnostics Nichols Institute San Juan Capistrano
Classification: Pathogenic. Last evaluated: 2022-04-05. Review status: criteria provided, single submitter. Criteria: ACMG/ClinGen CNV Guidelines, 2019. Collection method: clinical testing. Allele origin: unknown.
Comment: This copy number loss is expected to cause phenotypic and/or developmental abnormalities. Inherited and de novo deletions involving 16p13.11 have been implicated in variable phenotypes ranging from normalcy to neurodevelopmental disorders with intellectual disability. A male-biased effect has been observed (Tropeano et al. PLoS One. 2013 Apr 18;8(4):e61365. PMID: 23637818; Nagamani et al., Eur J Hum Genet. 2010 19(3):280-6, PMID: 21150890; Hannes et al., 2009. J Med Genet. 46(4):223-32, PMID: 18550696; Ullmann et al., 2007. Hum Mutat. 28(7):674-82, PMID: 17480035). Inheritance from a normal or mildly affected parent has been reported, suggesting incomplete penetrance and variable expressivity. NDE1 (OMIM 609449) is the strongest candidate gene for the associated neurodevelopmental phenotypes. Other genes likely contribute to the phenotype as well. Biallelic pathogenic variants in NDE1 are also associated with autosomal recessive lissencephaly 4 with microcephaly (OMIM 614019) and microhydranencephaly (OMIM 605013).

GRCh37/hg19 16p13.12-13.11(chr16:14780544-16330627)x1

Genes: ABCC1 (ATP binding cassette subfamily C member 1 (ABCC1 blood group); plus strand), ABCC6 (ATP binding cassette subfamily C member 6; minus strand), BMERB1 (bMERB domain containing 1; plus strand), CEP20 (centrosomal protein 20; minus strand), MARF1 (meiosis regulator and mRNA stability factor 1; minus strand) and 13 more. Cytogenetic location: 16p13.12-13.11.
Variant type: copy number loss.
Change: copy number 1 (one copy instead of two) of chr16:14,780,544-16,330,627 (1.55 Mb, GRCh37 coordinates, 1-based), cytogenetic band 16p13.12-13.11.
Identifiers: ClinVar variation 1808623 (VCV001808623.1).